The following is an entry in ClinVar:

ClinVar aggregate classification (germline): Uncertain significance. Review status: criteria provided, multiple submitters, no conflicts (2 of 4 stars). 2 submissions from 2 submitters: Uncertain significance (2). Last evaluated 2023-10-20.

Allele frequency attached by ClinVar (database versions not stated): TOPMed 0.00004; ESP Exome Variant Server 0.00008; gnomAD exomes 0.00008; ExAC 0.00012; gnomAD 0.00004.
gnomAD v4.1: 124 of 1,613,882 alleles (0.0077%); highest among the groups gnomAD compares: Non-Finnish European, 0.01%; no homozygotes.

Submissions (2):

GeneDx
Classification: Uncertain significance. Last evaluated: 2023-10-20. Review status: criteria provided, single submitter. Criteria: GeneDx Variant Classification Process June 2021. Collection method: clinical testing. Allele origin: germline. Affected: yes.
Comment: In silico analysis supports that this missense variant has a deleterious effect on protein structure/function; Has not been previously published as pathogenic or benign to our knowledge; Variants in candidate genes are classified as variants of uncertain significance in accordance with ACMG guidelines (Richards et al., 2015)

Ambry Genetics
Classification: Uncertain significance. Last evaluated: 2022-09-07. Review status: criteria provided, single submitter. Criteria: Ambry Variant Classification Scheme 2023. Collection method: clinical testing. Allele origin: germline.

NM_024721.5(ZFHX4):c.3737T>C (p.Ile1246Thr)

Gene: ZFHX4 (zinc finger homeobox 4; plus strand). Cytogenetic location: 8q21.13.
Variant type: single nucleotide variant.
Coding change: c.3737T>C on transcript NM_024721.5 (MANE Select); coding-DNA position 3737, T replaced by C.
Protein change: p.Ile1246Thr; replaces isoleucine 1246 with threonine.
Molecular consequence: missense variant.
Genome position (GRCh38, 1-based): chr8:76,849,603, T>C. VCF-style: chr8-76849603-T-C. GRCh37 (hg19) VCF-style: chr8-77761839-T-C.
Other names: c.3659T>C, p.Ile1220Thr (NM_001410934.1); short protein forms I1220T, I1246T.
Identifiers: ClinVar variation 3193039 (VCV003193039.2), dbSNP rs376717834, ClinGen allele CA4787352.